The following is an entry in ClinVar:

NM_005428.4(VAV1):c.365A>G (p.Gln122Arg)

Gene: VAV1 (vav guanine nucleotide exchange factor 1; plus strand). Cytogenetic location: 19p13.3.
Variant type: single nucleotide variant.
Coding change: c.365A>G on transcript NM_005428.4 (MANE Select); coding-DNA position 365, A replaced by G.
Protein change: p.Gln122Arg; replaces glutamine 122 with arginine.
Molecular consequence: missense variant.
Genome position (GRCh38, 1-based): chr19:6,821,665, A>G. VCF-style: chr19-6821665-A-G. GRCh37 (hg19) VCF-style: chr19-6821676-A-G.
Other names: c.365A>G, p.Gln122Arg (NM_001258206.2, NM_001258207.2); short protein forms Q122R.
Identifiers: ClinVar variation 1504248 (VCV001504248.6), dbSNP rs1199160941, ClinGen allele CA403614833.
Genomic context (GRCh38, chr19:6,821,665, plus strand): 5'-CCACTGCCCCGTCACAGGTCATCTACACCCTGTCTGCTCTGTCCTGGACCCCGATCGCCC[A>G]GAACAGGGGGATCATGTGAGTAACCACCTGGGCCTTGGGCCATTTAGCCCCAGTCCTCCC-3'
Protein context (NP_005419.2, residues 112-132): LSALSWTPIA[Gln122Arg]NRGIMPFPTE

ClinVar aggregate classification (germline): Uncertain significance (1 of 4 stars; one submission).

Allele frequency attached by ClinVar (database versions not stated): TOPMed 0.00001; gnomAD exomes below 0.00001 and 0.00001.
gnomAD v4.1: 3 of 1,614,178 alleles (0.00019%); highest among the groups gnomAD compares: East Asian, 0.0022%; no homozygotes.

Submission:

Labcorp Genetics (formerly Invitae), Labcorp
Classification: Uncertain significance. Last evaluated: 2024-10-28. Review status: criteria provided, single submitter. Criteria: Invitae Variant Classification Sherloc (09022015). Collection method: clinical testing. Allele origin: germline.
Comment: This sequence change replaces glutamine, which is neutral and polar, with arginine, which is basic and polar, at codon 122 of the VAV1 protein (p.Gln122Arg). This variant is present in population databases (no rsID available, gnomAD 0.003%). This variant has not been reported in the literature in individuals affected with VAV1-related conditions. ClinVar contains an entry for this variant (Variation ID: 1504248). An algorithm developed to predict the effect of missense changes on protein structure and function (PolyPhen-2) suggests that this variant is likely to be tolerated. In summary, the available evidence is currently insufficient to determine the role of this variant in disease. Therefore, it has been classified as a Variant of Uncertain Significance.